The following is an entry in ClinVar:

ClinVar aggregate classification (germline): Uncertain significance (1 of 4 stars; one submission).

Submission:

Labcorp Genetics (formerly Invitae), Labcorp
Classification: Uncertain significance. Last evaluated: 2022-08-09. Review status: criteria provided, single submitter. Criteria: Invitae Variant Classification Sherloc (09022015). Collection method: clinical testing. Allele origin: germline.
Comment: In summary, the available evidence is currently insufficient to determine the role of this variant in disease. Therefore, it has been classified as a Variant of Uncertain Significance. This variant has not been reported in the literature in individuals affected with C2CD3-related conditions. ClinVar contains an entry for this variant (Variation ID: 1424243). Algorithms developed to predict the effect of missense changes on protein structure and function are either unavailable or do not agree on the potential impact of this missense change (SIFT: "Deleterious"; PolyPhen-2: "Benign"; Align-GVGD: "Class C0"). This sequence change replaces alanine, which is neutral and non-polar, with glutamic acid, which is acidic and polar, at codon 53 of the C2CD3 protein (p.Ala53Glu). This variant is not present in population databases (gnomAD no frequency).

NM_001286577.2(C2CD3):c.158C>A (p.Ala53Glu)

Gene: C2CD3 (C2 domain containing 3 centriole elongation regulator; minus strand). Cytogenetic location: 11q13.4.
Variant type: single nucleotide variant.
Coding change: c.158C>A on transcript NM_001286577.2 (MANE Select); coding-DNA position 158, C replaced by A.
Protein change: p.Ala53Glu; replaces alanine 53 with glutamic acid.
Molecular consequence: missense variant.
Genome position (GRCh38, 1-based): chr11:74,168,511, G>T on the plus strand (C>A on the coding strand, the complement: C2CD3 is on the minus strand). VCF-style: chr11-74168511-G-T. GRCh37 (hg19) VCF-style: chr11-73879556-G-T.
Other names: c.158C>A, p.Ala53Glu (NM_015531.6); short protein forms A53E.
Identifiers: ClinVar variation 1424243 (VCV001424243.6), dbSNP rs2135578312, ClinGen allele CA381825992.